The following is an entry in ClinVar:

NM_000059.4(BRCA2):c.4860A>G (p.Leu1620=)

Gene: BRCA2 (BRCA2 DNA repair associated; plus strand). Cytogenetic location: 13q13.1.
Variant type: single nucleotide variant.
Coding change: c.4860A>G on transcript NM_000059.4 (MANE Select); coding-DNA position 4860, A replaced by G.
Protein change: p.Leu1620=; no amino-acid change (leucine 1620 retained).
Molecular consequence: synonymous variant.
Genome position (GRCh38, 1-based): chr13:32,339,215, A>G. VCF-style: chr13-32339215-A-G. GRCh37 (hg19) VCF-style: chr13-32913352-A-G.
Identifiers: ClinVar variation 433788 (VCV000433788.14), dbSNP rs976841328, ClinGen allele CA483438420.

ClinVar aggregate classification (germline): Likely benign. Review status: criteria provided, multiple submitters, no conflicts (2 of 4 stars). 3 submissions from 3 submitters: Likely benign (2). 1 of the submissions does not count toward it. Last evaluated 2025-09-03.

Conditions:
Hereditary cancer-predisposing syndrome. Also called: Hereditary Cancer Syndrome; Hereditary neoplastic syndrome; Neoplastic Syndromes, Hereditary; Tumor predisposition. Identifiers: Orphanet 140162, MedGen C0027672, MeSH D009386, MONDO:0015356.
Hereditary breast ovarian cancer syndrome. Also called: Hereditary breast and ovarian cancer syndrome (HBOC); Breast and ovarian cancer; BRCA1- and BRCA2-Associated Hereditary Breast and Ovarian Cancer; Hereditary breast and/or ovarian cancer syndrome; Hereditary breast and ovarian cancer; Hereditary breast and ovarian cancer syndrome. Identifiers: Orphanet 145, MedGen C0677776, MeSH D061325, MONDO:0003582. Disease mechanism: loss of function.
Malignant tumor of breast. Also called: Malignant breast neoplasm; Cancer breast. Identifiers: MedGen C0006142, MONDO:0007254. Disease mechanism: loss of function.

Allele frequency attached by ClinVar (database versions not stated): gnomAD exomes below 0.00001; gnomAD 0.00001.
gnomAD v4.1: 7 of 1,613,286 alleles (0.00043%); highest among the groups gnomAD compares: East Asian, 0.0045%; no homozygotes.

Submissions (3):

Labcorp Genetics (formerly Invitae), Labcorp
Classification: Likely benign for Hereditary breast ovarian cancer syndrome. Last evaluated: 2025-09-03. Review status: criteria provided, single submitter. Criteria: Invitae Variant Classification Sherloc (09022015). Collection method: clinical testing. Allele origin: germline.

Ambry Genetics
Classification: Likely benign for Hereditary cancer-predisposing syndrome. Last evaluated: 2022-05-26. Review status: criteria provided, single submitter. Criteria: Ambry Variant Classification Scheme 2023. Collection method: clinical testing. Allele origin: germline.

Department of Pathology and Laboratory Medicine, Sinai Health System
Classification: Likely benign for Malignant tumor of breast. Review status: no assertion criteria provided. Collection method: clinical testing. Allele origin: unknown. Affected: yes. Study: The Canadian Open Genetics Repository (COGR). Not counted in ClinVar's aggregate classification.
Comment: The p.Leu1620Leu variant was not identified in the literature, nor was it identified in the dbSNP, NHLBI Exome Sequencing Project (Exome Variant Server), Exome Aggregation Consortium (ExAC), LOVD, COSMIC, ClinVar, Clinvitae, ARUP Laboratories BRCA Mutations Database, GeneInsight COGR, BIC or UMD. The variant c.4858T>C, which has the same protein consequence of p.Leu1620Leu was found in UMD, classified as a variant of unknown significance. The p.Leu1620Leu variant is not expected to have clinical significance because it does not result in a change of amino acid and is not located in a known consensus splice site. In addition, in silico or computational prediction software programs (SpliceSiteFinder, MaxEntScan, NNSPLICE, GeneSplicer, HumanSpliceFinder) do not predict a difference in splicing. In summary, based on the above information, the clinical significance of this variant cannot be determined with certainty at this time. This variant is classified as likely benign.